The following is an entry in ClinVar:

NM_001199267.2(DGKZ):c.162-713C>G

Gene: DGKZ (diacylglycerol kinase zeta; plus strand). Cytogenetic location: 11p11.2.
Variant type: single nucleotide variant.
Coding change: c.162-713C>G on transcript NM_001199267.2 (MANE Select); 713 bases into the intron before coding-DNA position 162, C replaced by G.
Molecular consequence: intron variant. On other transcripts: missense variant (1).
Genome position (GRCh38, 1-based): chr11:46,366,578, C>G. VCF-style: chr11-46366578-C-G. GRCh37 (hg19) VCF-style: chr11-46388128-C-G.
Other names: c.322C>G, p.Leu108Val (NM_001105540.2); c.213-713C>G (NM_201532.3); c.177-713C>G (NM_201533.3); c.162-713C>G (NM_001199266.2, NM_003646.4, NM_001199268.2); short protein forms L108V.
Identifiers: ClinVar variation 1440428 (VCV001440428.6), dbSNP rs755231441, ClinGen allele CA5962134.

ClinVar aggregate classification (germline): Uncertain significance (1 of 4 stars; one submission).

Allele frequency attached by ClinVar (database versions not stated): gnomAD 0.00001.
gnomAD v4.1: 3 of 1,606,936 alleles (0.00019%); highest among the groups gnomAD compares: Non-Finnish European, 0.00017%; no homozygotes.

Submission:

Labcorp Genetics (formerly Invitae), Labcorp
Classification: Uncertain significance. Last evaluated: 2022-10-13. Review status: criteria provided, single submitter. Criteria: Invitae Variant Classification Sherloc (09022015). Collection method: clinical testing. Allele origin: germline.
Comment: In summary, the available evidence is currently insufficient to determine the role of this variant in disease. Therefore, it has been classified as a Variant of Uncertain Significance. The frequency data for this variant in the population databases is considered unreliable, as metrics indicate poor data quality at this position in the gnomAD database. This variant has not been reported in the literature in individuals affected with DGKZ-related conditions. ClinVar contains an entry for this variant (Variation ID: 1440428). Algorithms developed to predict the effect of missense changes on protein structure and function (SIFT, PolyPhen-2, Align-GVGD) all suggest that this variant is likely to be tolerated. This sequence change replaces leucine, which is neutral and non-polar, with valine, which is neutral and non-polar, at codon 108 of the DGKZ protein (p.Leu108Val).